The following is an entry in ClinVar:

NM_000057.4(BLM):c.2981_2982delinsAG (p.Thr994Lys)

Gene: BLM (BLM RecQ like helicase; plus strand). Cytogenetic location: 15q26.1.
Variant type: Indel.
Coding change: c.2981_2982delinsAG on transcript NM_000057.4 (MANE Select); coding-DNA positions 2981 to 2982, CC replaced by AG.
Protein change: p.Thr994Lys; replaces threonine 994 with lysine.
Molecular consequence: missense variant.
Genome position (GRCh38, 1-based): chr15:90,790,806-90,790,807, CC replaced by AG. VCF-style: chr15-90790806-CC-AG. GRCh37 (hg19) VCF-style: chr15-91334036-CC-AG.
Other names: c.2981_2982delinsAG, p.Thr994Lys (NM_001287246.2, NM_001287247.2); c.1856_1857delinsAG, p.Thr619Lys (NM_001287248.2); short protein forms T619K, T994K.
Identifiers: ClinVar variation 1798403 (VCV001798403.4), dbSNP rs2505516914, ClinGen allele CA2580090278.

ClinVar aggregate classification (germline): Uncertain significance. Review status: criteria provided, multiple submitters, no conflicts (2 of 4 stars). 2 submissions from 2 submitters: Uncertain significance (2). Last evaluated 2024-05-16.

Conditions:
Hereditary cancer-predisposing syndrome. Also called: Neoplastic Syndromes, Hereditary; Tumor predisposition; Hereditary Cancer Syndrome; Hereditary neoplastic syndrome. Identifiers: Orphanet 140162, MedGen C0027672, MeSH D009386, MONDO:0015356.
Bloom syndrome (BLM). Also called: Bloom-Torre-Machacek syndrome. Identifiers: Orphanet 125, MedGen C0005859, MONDO:0008876, OMIM 210900.

Submissions (2):

Labcorp Genetics (formerly Invitae), Labcorp
Classification: Uncertain significance for Bloom syndrome. Last evaluated: 2024-05-16. Review status: criteria provided, single submitter. Criteria: Invitae Variant Classification Sherloc (09022015). Collection method: clinical testing. Allele origin: germline.
Comment: This sequence change replaces threonine, which is neutral and polar, with lysine, which is basic and polar, at codon 994 of the BLM protein (p.Thr994Lys). Information on the frequency of this variant in the gnomAD database is not available, as this variant may be reported differently in the database. This variant has not been reported in the literature in individuals affected with BLM-related conditions. ClinVar contains an entry for this variant (Variation ID: 1798403). An algorithm developed to predict the effect of missense changes on protein structure and function (PolyPhen-2) suggests that this variant is likely to be tolerated. In summary, the available evidence is currently insufficient to determine the role of this variant in disease. Therefore, it has been classified as a Variant of Uncertain Significance.

Ambry Genetics
Classification: Uncertain significance for Hereditary cancer-predisposing syndrome. Last evaluated: 2017-09-30. Review status: criteria provided, single submitter. Criteria: Ambry Variant Classification Scheme 2023. Collection method: clinical testing. Allele origin: germline.
Comment: The c.2981_2982delCCinsAG variant (also known as p.T994K), located in coding exon 14 of the BLM gene, results from a deletion of CC and insertion of AG at nucleotide positions 2981 to 2982. The threonine at codon 994 is replaced by lysine, an amino acid with similar properties. This amino acid position is not well conserved in available vertebrate species. Since supporting evidence is limited at this time, the clinical significance of this alteration remains unclear.